The following is an entry in ClinVar:

NM_000301.5(PLG):c.128C>G (p.Ala43Gly)

Gene: PLG (plasminogen; plus strand). Cytogenetic location: 6q26.
Variant type: single nucleotide variant.
Coding change: c.128C>G on transcript NM_000301.5 (MANE Select); coding-DNA position 128, C replaced by G.
Protein change: p.Ala43Gly; replaces alanine 43 with glycine.
Molecular consequence: missense variant.
Genome position (GRCh38, 1-based): chr6:160,706,485, C>G. VCF-style: chr6-160706485-C-G. GRCh37 (hg19) VCF-style: chr6-161127517-C-G.
Other names: c.128C>G, p.Ala43Gly (NM_001168338.1); short protein forms A43G.
Identifiers: ClinVar variation 3716824 (VCV003716824.2).

ClinVar aggregate classification (germline): Uncertain significance (1 of 4 stars; one submission).

Submission:

Labcorp Genetics (formerly Invitae), Labcorp
Classification: Uncertain significance. Last evaluated: 2024-10-22. Review status: criteria provided, single submitter. Criteria: Invitae Variant Classification Sherloc (09022015). Collection method: clinical testing. Allele origin: germline.
Comment: This sequence change replaces alanine, which is neutral and non-polar, with glycine, which is neutral and non-polar, at codon 43 of the PLG protein (p.Ala43Gly). This variant is present in population databases (no rsID available, gnomAD 0.003%). This variant has not been reported in the literature in individuals affected with PLG-related conditions. An algorithm developed to predict the effect of missense changes on protein structure and function outputs the following: PolyPhen-2: "Benign". The glycine amino acid residue is found in multiple mammalian species, which suggests that this missense change does not adversely affect protein function. In summary, the available evidence is currently insufficient to determine the role of this variant in disease. Therefore, it has been classified as a Variant of Uncertain Significance.